The following is an entry in ClinVar:

NM_000548.5(TSC2):c.955G>T (p.Val319Leu)

Gene: TSC2 (TSC complex subunit 2; plus strand). Cytogenetic location: 16p13.3.
Variant type: single nucleotide variant.
Coding change: c.955G>T on transcript NM_000548.5 (MANE Select); coding-DNA position 955, G replaced by T.
Protein change: p.Val319Leu; replaces valine 319 with leucine.
Molecular consequence: missense variant.
Genome position (GRCh38, 1-based): chr16:2,058,853, G>T. VCF-style: chr16-2058853-G-T. GRCh37 (hg19) VCF-style: chr16-2108854-G-T.
Other names: c.955G>T, p.Val319Leu (NM_001077183.3, NM_001114382.3, NM_001363528.2 and 6 more transcripts); c.844G>T, p.Val282Leu (NM_001318827.2, NM_001406670.1, NM_001406678.1); c.808G>T, p.Val270Leu (NM_001318829.2, NM_001406675.1, NM_001406676.1 and 1 more transcripts); c.355G>T, p.Val119Leu (NM_001318831.2, NM_001406680.1, NM_001406682.1 and 6 more transcripts); c.988G>T, p.Val330Leu (NM_001318832.2); c.1045G>T, p.Val349Leu (NM_001406667.1, NM_001406668.1); c.943G>T, p.Val315Leu (NM_001406671.1, NM_001406673.1); c.898G>T, p.Val300Leu (NM_001406677.1); and 4 more; short protein forms V119L, V165L, V270L, V282L, V300L, V315L, V319L, V330L.
Identifiers: ClinVar variation 2443286 (VCV002443286.2), dbSNP rs1432086775, ClinGen allele CA394315702.

ClinVar aggregate classification (germline): Uncertain significance (0 of 4 stars; one submission).

Submission:

Genetic Services Laboratory, University of Chicago
Classification: Uncertain significance. Last evaluated: 2022-06-09. Review status: no assertion criteria provided. Collection method: clinical testing. Allele origin: germline. Affected: no.
Comment: DNA sequence analysis of the TSC2 gene demonstrated a sequence change, c.955G>T, in exon 10 that results in an amino acid change, p.Val319Leu. This sequence change does not appear to have been previously described in individuals with TSC2-related disorders and has also not been described in population databases such as ExAC and gnomAD. The p.Val319Leu change affects a highly conserved amino acid residue located in a domain of the TSC2 protein that is known to be functional. The p.Val319Leu substitution appears to be deleterious using several in-silico pathogenicity prediction tools (SIFT, PolyPhen2, Align GVGD, REVEL). Due to insufficient evidences and the lack of functional studies, the clinical significance of the p.Val319Leu change remains unknown at this time.